The following is an entry in ClinVar:

NM_018365.4(MNS1):c.605dup (p.Gln203fs)

Genes: MNS1 (meiosis specific nuclear structural 1; minus strand), TEX9 (testis expressed 9; plus strand). Cytogenetic location: 15q21.3.
Variant type: Duplication.
Coding change: c.605dup on transcript NM_018365.4 (MANE Select); coding-DNA position 605, one base duplicated (A; older notation c.605dupA).
Protein change: p.Gln203fs; shifts the reading frame from glutamine 203.
Molecular consequence: frameshift variant. On other transcripts: intron variant (2).
Genome position (GRCh38, 1-based): chr15:56,444,525, T duplicated on the plus strand (A on the coding strand, the reverse complement: MNS1 is on the minus strand); the first of 10 consecutive T bases (chr15:56,444,525-56,444,534); duplicating any one gives the same sequence. VCF-style (leftmost placement, unchanged base first): chr15-56444524-C-CT. GRCh37 (hg19) VCF-style: chr15-56736722-C-CT.
Other names: p.(Gln203AlafsTer5); c.*30-1137dup (NM_001286449.2, NM_198524.3); short protein forms Q203fs.
Identifiers: ClinVar variation 3024123 (VCV003024123.3), dbSNP rs549395315, ClinGen allele CA7579511.

ClinVar aggregate classification (germline): Pathogenic. Review status: criteria provided, single submitter (1 of 4 stars). 2 submissions from 2 submitters: Pathogenic (1). 1 of the submissions does not count toward it. Last evaluated 2021-05-31.

Conditions:
Multiple congenital anomalies/dysmorphic syndrome-intellectual disability. Identifiers: Orphanet 102283, MedGen C5680372, MONDO:0015159.
Heterotaxy, visceral, 9, autosomal, with male infertility. Identifiers: MedGen C5394551, MONDO:0030070, OMIM 618948.

Submissions (2):

AURAGEN, Plan France Médecine Génomique
Classification: Pathogenic for Multiple congenital anomalies/dysmorphic syndrome-intellectual disability. Last evaluated: 2021-05-31. Review status: criteria provided, single submitter. Criteria: PFMG2025 (Lancet Reg Health Eur. 2025). Collection method: clinical testing. Allele origin: germline. Affected: yes.

Genetics of Infertility and Preimplantation Genetic Diagnosis, Centre Hospitalier Universitaire Grenoble Alpes
Classification: Pathogenic for Heterotaxy, visceral, 9, autosomal, with male infertility. Last evaluated: 2024-02-07. Review status: no assertion criteria provided. Collection method: clinical testing. Allele origin: germline. Affected: yes. Not counted in ClinVar's aggregate classification.
Comment: This variant was observerd in trans position with variant (NM_018365.4:c.68_69delinsAG)